The following is an entry in ClinVar:

NM_002591.4(PCK1):c.1218C>T (p.Phe406=)

Gene: PCK1 (phosphoenolpyruvate carboxykinase 1; plus strand). Cytogenetic location: 20q13.31.
Variant type: single nucleotide variant.
Coding change: c.1218C>T on transcript NM_002591.4 (MANE Select); coding-DNA position 1218, C replaced by T.
Protein change: p.Phe406=; no amino-acid change (phenylalanine 406 retained).
Molecular consequence: synonymous variant.
Genome position (GRCh38, 1-based): chr20:57,564,513, C>T. VCF-style: chr20-57564513-C-T. GRCh37 (hg19) VCF-style: chr20-56139569-C-T.
Identifiers: ClinVar variation 719014 (VCV000719014.9), dbSNP rs765721123, ClinGen allele CA9922325.

ClinVar aggregate classification (germline): Likely benign. Review status: criteria provided, single submitter (1 of 4 stars). 2 submissions from 2 submitters: Likely benign (1). 1 of the submissions does not count toward it. Last evaluated 2024-12-20.

Conditions:
PCK1-related disorder. Also called: PCK1-related condition.

Allele frequency attached by ClinVar (database versions not stated): gnomAD 0.00002; TOPMed 0.00003.

Submissions (2):

Labcorp Genetics (formerly Invitae), Labcorp
Classification: Likely benign. Last evaluated: 2024-12-20. Review status: criteria provided, single submitter. Criteria: Invitae Variant Classification Sherloc (09022015). Collection method: clinical testing. Allele origin: germline.

PreventionGenetics, part of Exact Sciences
Classification: Likely benign for PCK1-related condition. Last evaluated: 2019-09-26. Review status: no assertion criteria provided. Collection method: clinical testing. Allele origin: germline. Not counted in ClinVar's aggregate classification.
Comment: This variant is classified as likely benign based on ACMG/AMP sequence variant interpretation guidelines (Richards et al. 2015 PMID: 25741868, with internal and published modifications).